The following is an entry in ClinVar:

NM_018117.12(WDR11):c.3205T>G (p.Leu1069Val)

Gene: WDR11 (WD repeat domain 11; plus strand). Cytogenetic location: 10q26.12.
Variant type: single nucleotide variant.
Coding change: c.3205T>G on transcript NM_018117.12 (MANE Select); coding-DNA position 3205, T replaced by G.
Protein change: p.Leu1069Val; replaces leucine 1069 with valine.
Molecular consequence: missense variant.
Genome position (GRCh38, 1-based): chr10:120,905,330, T>G. VCF-style: chr10-120905330-T-G. GRCh37 (hg19) VCF-style: chr10-122664842-T-G.
Other names: short protein forms L1069V.
Identifiers: ClinVar variation 3345334 (VCV003345334.1).
Genomic context (GRCh38, chr10:120,905,330, plus strand): 5'-AAAGAAGGAGCTGCAGTGTCACTTAAGGGGATGCGCTTTTGTCTTTCAGAGGGCGTTCAG[T>G]TGCTCTGCCTGATAGATAAGGCTGCAGACGCCTGCCGCTACCTGCAGACATACGGCGAGT-3'
Protein context (NP_060587.8, residues 1059-1079): ANGKLAEGVQ[Leu1069Val]LCLIDKAADA

ClinVar aggregate classification (germline): Uncertain significance (0 of 4 stars; one submission).

Conditions:
WDR11-related disorder. Also called: WDR11-related condition.

Submission:

PreventionGenetics, part of Exact Sciences
Classification: Uncertain significance for WDR11-related condition. Last evaluated: 2024-05-31. Review status: no assertion criteria provided. Collection method: clinical testing. Allele origin: germline.
Comment: The WDR11 c.3205T>G variant is predicted to result in the amino acid substitution p.Leu1069Val. To our knowledge, this variant has not been reported in the literature or in a large population database, indicating this variant is rare. At this time, the clinical significance of this variant is uncertain due to the absence of conclusive functional and genetic evidence.